The following is an entry in ClinVar:

ClinVar aggregate classification (germline): Uncertain significance (1 of 4 stars; one submission).

gnomAD v4.1: 1 of 1,614,142 alleles (0.000062%); highest among the groups gnomAD compares: Non-Finnish European, 0.000085%; no homozygotes.

Submission:

Labcorp Genetics (formerly Invitae), Labcorp
Classification: Uncertain significance. Last evaluated: 2024-09-08. Review status: criteria provided, single submitter. Criteria: Invitae Variant Classification Sherloc (09022015). Collection method: clinical testing. Allele origin: germline.
Comment: This sequence change replaces leucine, which is neutral and non-polar, with phenylalanine, which is neutral and non-polar, at codon 230 of the RHOBTB2 protein (p.Leu230Phe). This variant is not present in population databases (gnomAD no frequency). This variant has not been reported in the literature in individuals affected with RHOBTB2-related conditions. Invitae Evidence Modeling of protein sequence and biophysical properties (such as structural, functional, and spatial information, amino acid conservation, physicochemical variation, residue mobility, and thermodynamic stability) has been performed for this missense variant. However, the output from this modeling did not meet the statistical confidence thresholds required to predict the impact of this variant on RHOBTB2 protein function. In summary, the available evidence is currently insufficient to determine the role of this variant in disease. Therefore, it has been classified as a Variant of Uncertain Significance.

NM_015178.3(RHOBTB2):c.622C>T (p.Leu208Phe)

Gene: RHOBTB2 (Rho related BTB domain containing 2; plus strand). Cytogenetic location: 8p21.3.
Variant type: single nucleotide variant.
Coding change: c.622C>T on transcript NM_015178.3 (MANE Select); coding-DNA position 622, C replaced by T.
Protein change: p.Leu208Phe; replaces leucine 208 with phenylalanine.
Molecular consequence: missense variant.
Genome position (GRCh38, 1-based): chr8:23,006,867, C>T. VCF-style: chr8-23006867-C-T. GRCh37 (hg19) VCF-style: chr8-22864380-C-T.
Other names: c.688C>T, p.Leu230Phe (NM_001160036.2); c.643C>T, p.Leu215Phe (NM_001160037.2); c.622C>T, p.Leu208Phe (NM_001374791.1); short protein forms L208F, L230F, L215F.
Identifiers: ClinVar variation 3688411 (VCV003688411.2).